The following is an entry in ClinVar:

ClinVar aggregate classification (germline): Benign/Likely benign. Review status: criteria provided, multiple submitters, no conflicts (2 of 4 stars). 6 submissions from 6 submitters: Benign (3); Likely benign (3). Last evaluated 2025-07-07.

Conditions:
Familial thoracic aortic aneurysm and aortic dissection (TAAD). Also called: Thoracic aortic aneurysms and dissections. Identifiers: Orphanet 91387, MedGen C4707243, MONDO:0019625.
Aortic aneurysm, familial thoracic 4 (AAT4). Also called: AORTIC ANEURYSM/AORTIC DISSECTION AND PATENT DUCTUS ARTERIOSUS. Identifiers: MedGen C1851504, MONDO:0007568, OMIM 132900.

Allele frequency attached by ClinVar (database versions not stated): TOPMed 0.00007; 1000 Genomes Project 30x 0.00016; 1000 Genomes Project 0.00020; gnomAD 0.00058 and 0.00061; ExAC 0.00069; gnomAD exomes 0.00077.
gnomAD v4.1: 594 of 1,614,018 alleles (0.037%); highest among the groups gnomAD compares: Middle Eastern, 0.016%; 5 homozygotes.

Submissions (6):

Labcorp Genetics (formerly Invitae), Labcorp
Classification: Benign for Aortic aneurysm, familial thoracic 4. Last evaluated: 2025-07-07. Review status: criteria provided, single submitter. Criteria: Invitae Variant Classification Sherloc (09022015). Collection method: clinical testing. Allele origin: germline.

CeGaT Center for Human Genetics Tuebingen
Classification: Likely benign. Last evaluated: 2024-12-01. Review status: criteria provided, single submitter. Criteria: CeGaT Center For Human Genetics Tuebingen Variant Classification Criteria Version 2. Collection method: clinical testing. Allele origin: germline. Affected: yes. Observed: 1 variant allele.
Comment: MYH11: BS2

Mayo Clinic Laboratories, Mayo Clinic
Classification: Benign. Last evaluated: 2024-10-23. Review status: criteria provided, single submitter. Criteria: ACMG Guidelines, 2015. Collection method: clinical testing. Allele origin: germline. Observed: 1 variant allele.
Comment: BS1, BS2

Blueprint Genetics
Classification: Likely benign. Last evaluated: 2024-09-15. Review status: criteria provided, single submitter. Criteria: ACMG Guidelines, 2015. Collection method: clinical testing. Allele origin: germline.

Ambry Genetics
Classification: Likely benign for Familial thoracic aortic aneurysm and aortic dissection. Last evaluated: 2019-10-29. Review status: criteria provided, single submitter. Criteria: Ambry Variant Classification Scheme 2023. Collection method: clinical testing. Allele origin: germline.

Color Diagnostics, LLC DBA Color Health
Classification: Benign for Familial thoracic aortic aneurysm and aortic dissection. Last evaluated: 2019-07-28. Review status: criteria provided, single submitter. Criteria: ACMG Guidelines, 2015. Collection method: clinical testing. Allele origin: germline.

Literature cited by the submitters: PubMed 26188975 (cited by Ambry Genetics); PubMed 30122538 (cited by Ambry Genetics).

NM_002474.3(MYH11):c.3196G>A (p.Asp1066Asn)

Gene: MYH11 (myosin heavy chain 11; minus strand). Cytogenetic location: 16p13.11.
Variant type: single nucleotide variant.
Coding change: c.3196G>A on transcript NM_002474.3 (MANE Select); coding-DNA position 3196, G replaced by A.
Protein change: p.Asp1066Asn; replaces aspartic acid 1066 with asparagine.
Molecular consequence: missense variant.
Genome position (GRCh38, 1-based): chr16:15,737,546, C>T on the plus strand (G>A on the coding strand, the complement: MYH11 is on the minus strand). VCF-style: chr16-15737546-C-T. GRCh37 (hg19) VCF-style: chr16-15831403-C-T.
Other names: p.Asp1073Asn; c.3217G>A, p.Asp1073Asn (NM_001040113.2, NM_001040114.2); c.3196G>A, p.Asp1066Asn (NM_022844.3); short protein forms D1073N, D1066N.
Identifiers: ClinVar variation 155816 (VCV000155816.31), dbSNP rs200315340, ClinGen allele CA345840.
Genomic context (GRCh38, chr16:15,737,546, plus strand): 5'-CCAGCTGCATCTTGAGCTCTGCGATCTGCGCCTGGAGGTCAGCGATCTGCTCGTGGAAGT[C>T]GCTGGCATCACCCTCCAGCTTCCGTTTCAGCTTCTCCAGCTCCTGTCGGCTCTTCTCTTC-3'
Protein context (NP_002465.1, residues 1056-1076): LKRKLEGDAS[Asp1066Asn]FHEQIADLQA